The following is an entry in ClinVar:

NM_201384.3(PLEC):c.11067G>A (p.Thr3689=)

Gene: PLEC (plectin; minus strand). Cytogenetic location: 8q24.3.
Variant type: single nucleotide variant.
Coding change: c.11067G>A on transcript NM_201384.3 (MANE Select); coding-DNA position 11067, G replaced by A.
Protein change: p.Thr3689=; no amino-acid change (threonine 3689 retained).
Molecular consequence: synonymous variant.
Genome position (GRCh38, 1-based): chr8:143,918,754, C>T on the plus strand (G>A on the coding strand, the complement: PLEC is on the minus strand). VCF-style: chr8-143918754-C-T. GRCh37 (hg19) VCF-style: chr8-144992922-C-T.
Other names: c.11148G>A, p.Thr3716= (NM_000445.5); c.11025G>A, p.Thr3675= (NM_201378.4); c.11001G>A, p.Thr3667= (NM_201379.3); c.11478G>A, p.Thr3826= (NM_201380.4); c.10971G>A, p.Thr3657= (NM_201381.3); c.11067G>A, p.Thr3689= (NM_201382.4); c.11079G>A, p.Thr3693= (NM_201383.3).
Identifiers: ClinVar variation 512171 (VCV000512171.3), dbSNP rs781847790, ClinGen allele CA4924445.

ClinVar aggregate classification (germline): Likely benign. Review status: criteria provided, multiple submitters, no conflicts (2 of 4 stars). 2 submissions from 2 submitters: Likely benign (2). Last evaluated 2024-03-16.

Conditions:
Autosomal recessive limb-girdle muscular dystrophy type 2Q (LGMDR17). Also called: MUSCULAR DYSTROPHY, LIMB-GIRDLE, AUTOSOMAL RECESSIVE 17. Identifiers: Orphanet 254361, MedGen C3150989, MONDO:0013390, OMIM 613723.
Epidermolysis bullosa simplex 5C, with pyloric atresia (EBS5C). Also called: Epidermolysis bullosa simplex with pyloric atresia; PLEC-Related Epidermolysis Bullosa with Pyloric Atresia; PLEC1-Related Epidermolysis Bullosa with Pyloric Atresia. Identifiers: Orphanet 158684, MedGen C2677349, MONDO:0012807, OMIM 612138.
Epidermolysis bullosa simplex 5B, with muscular dystrophy (EBS5B). Also called: EPIDERMOLYSIS BULLOSA SIMPLEX AND LIMB-GIRDLE MUSCULAR DYSTROPHY; Epidermolysis bullosa simplex with muscular dystrophy. Identifiers: Orphanet 257, MedGen C2931072, MONDO:0009181, OMIM 226670.
Epidermolysis bullosa simplex with nail dystrophy (EBS5D). Identifiers: MedGen C4225309, MONDO:0014661, OMIM 616487.
Epidermolysis bullosa simplex, Ogna type (EBS5A). Also called: Pidermolysis bullosa simplex 5A, Ogna type; EPIDERMOLYSIS BULLOSA SIMPLEX 5A, OGNA TYPE. Identifiers: Orphanet 79401, MedGen C0432317, MONDO:0007555, OMIM 131950.

Allele frequency attached by ClinVar (database versions not stated): gnomAD exomes 0.00002 and 0.00004; TOPMed 0.00002; ExAC 0.00003.
gnomAD v4.1: 24 of 1,613,060 alleles (0.0015%); highest among the groups gnomAD compares: South Asian, 0.0077%; no homozygotes.

Submissions (2):

Labcorp Genetics (formerly Invitae), Labcorp
Classification: Likely benign for Autosomal recessive limb-girdle muscular dystrophy type 2Q; Epidermolysis bullosa simplex, Ogna type; Epidermolysis bullosa simplex with nail dystrophy; Epidermolysis bullosa simplex 5C, with pyloric atresia; Epidermolysis bullosa simplex 5B, with muscular dystrophy. Last evaluated: 2024-03-16. Review status: criteria provided, single submitter. Criteria: Invitae Variant Classification Sherloc (09022015). Collection method: clinical testing. Allele origin: germline.

GeneDx
Classification: Likely benign. Last evaluated: 2017-09-20. Review status: criteria provided, single submitter. Criteria: GeneDx Variant Classification (06012015). Collection method: clinical testing. Allele origin: germline. Affected: yes.
Comment: This variant is considered likely benign or benign based on one or more of the following criteria: it is a conservative change, it occurs at a poorly conserved position in the protein, it is predicted to be benign by multiple in silico algorithms, and/or has population frequency not consistent with disease.